The following is an entry in ClinVar:

ClinVar aggregate classification (germline): Uncertain significance. Review status: criteria provided, multiple submitters, no conflicts (2 of 4 stars). 2 submissions from 2 submitters: Uncertain significance (2). Last evaluated 2025-10-29.

Conditions:
Inborn genetic diseases. Identifiers: MedGen C0950123, MeSH D030342.

gnomAD v4.1: 3 of 1,579,328 alleles (0.00019%); highest among the groups gnomAD compares: Middle Eastern, 0.017%; no homozygotes.

Submissions (2):

Ambry Genetics
Classification: Uncertain significance for Inborn genetic diseases. Last evaluated: 2025-10-29. Review status: criteria provided, single submitter. Criteria: Ambry Variant Classification Scheme 2023. Collection method: clinical testing. Allele origin: germline.

Labcorp Genetics (formerly Invitae), Labcorp
Classification: Uncertain significance. Last evaluated: 2025-02-08. Review status: criteria provided, single submitter. Criteria: Invitae Variant Classification Sherloc (09022015). Collection method: clinical testing. Allele origin: germline.
Comment: This sequence change replaces proline, which is neutral and non-polar, with threonine, which is neutral and polar, at codon 21 of the RUNX2 protein (p.Pro21Thr). The frequency data for this variant in the population databases is considered unreliable, as metrics indicate poor data quality at this position in the gnomAD database. This variant has not been reported in the literature in individuals affected with RUNX2-related conditions. An algorithm developed to predict the effect of missense changes on protein structure and function (PolyPhen-2) suggests that this variant is likely to be tolerated. In summary, the available evidence is currently insufficient to determine the role of this variant in disease. Therefore, it has been classified as a Variant of Uncertain Significance.

NM_001024630.4(RUNX2):c.61C>A (p.Pro21Thr)

Gene: RUNX2 (RUNX family transcription factor 2; plus strand). Cytogenetic location: 6p21.1.
Variant type: single nucleotide variant.
Coding change: c.61C>A on transcript NM_001024630.4 (MANE Select); coding-DNA position 61, C replaced by A.
Protein change: p.Pro21Thr; replaces proline 21 with threonine.
Molecular consequence: missense variant.
Genome position (GRCh38, 1-based): chr6:45,422,595, C>A. VCF-style: chr6-45422595-C-A. GRCh37 (hg19) VCF-style: chr6-45390332-C-A.
Other names: c.61C>A (NM_001024630.3); c.61C>A, p.Pro21Thr (NM_001015051.4); c.19C>A, p.Pro7Thr (NM_001278478.2, NM_001369405.1); short protein forms P21T, P7T.
Identifiers: ClinVar variation 3628506 (VCV003628506.3).